The following is an entry in ClinVar:

ClinVar aggregate classification (germline): Conflicting classifications of pathogenicity. Review status: criteria provided, conflicting classifications (1 of 4 stars). 2 submissions from 2 submitters: Pathogenic (1); Uncertain significance (1). Last evaluated 2025-11-06.

Conditions:
Severe myoclonic epilepsy in infancy (DRVT). Also called: Dravet syndrome; Epileptic encephalopathy, early infantile, 6 (Dravet syndrome); DEVELOPMENTAL AND EPILEPTIC ENCEPHALOPATHY 6A; Severe Myoclonic Epilepsy in Infancy (SMEI); SEVERE MYOCLONIC EPILEPSY OF INFANCY. Identifiers: Orphanet 33069, MedGen C0751122, MONDO:0100135, OMIM 607208.

Submissions (2):

Dasa
Classification: Uncertain significance. Last evaluated: 2025-11-06. Review status: criteria provided, single submitter. Criteria: DASA Assertion Criteria. Collection method: clinical testing. Allele origin: germline.
Comment: NM_001165963.4(SCN1A):c.380A>T (p.His127Leu) is a missense variant that results in the substitution of histidine with leucine. This variant has been reported in individuals with SCN1A-related disorders (PMID: 26096185). Also, this variant is absent from population databases. Computational prediction algorithms are consistent with a deleterious effect. The currently available literature and clinical evidence are not sufficient to establish a definitive association between this variant and the reported condition. Therefore, this variant is classified as a variant of uncertain significance.

Center for Bioinformatics, Peking University
Classification: Pathogenic for Dravet syndrome. Last evaluated: 2014-12-20. Review status: criteria provided, single submitter. Criteria: Xu et al. (Hum Mutat. 2015). Collection method: research. Allele origin: de novo. Affected: yes. Observed: 1 variant allele. Study: University Clinical Cooperation “985 Project” PKU-2014-1-1.
Comment: Dravet syndrome (DS) probands were recruited from the outpatient and inpatient child neurology units of Peking University First Hospital from 2005 till present. The study was approved by the Ethics Committee of Peking University First Hospital and the Institutional Review Board at Peking University. Participants or their parents provided written informed consent before enrollment. We collected a total of 267 mutations from 255 families with probands diagnosed with DS in China. All probands fulfilled the clinical diagnostic criteria.

Literature cited by the submitters: PubMed 26096185 (cited by Dasa).

NM_001165963.4(SCN1A):c.380A>T (p.His127Leu)

Gene: SCN1A (sodium voltage-gated channel alpha subunit 1; minus strand). Cytogenetic location: 2q24.3.
Variant type: single nucleotide variant.
Coding change: c.380A>T on transcript NM_001165963.4 (MANE Select); coding-DNA position 380, A replaced by T.
Protein change: p.His127Leu; replaces histidine 127 with leucine.
Molecular consequence: missense variant. On other transcripts: 5 prime UTR variant (1), non-coding transcript variant (1).
Genome position (GRCh38, 1-based): chr2:166,058,573, T>A on the plus strand (A>T on the coding strand, the complement: SCN1A is on the minus strand). VCF-style: chr2-166058573-T-A. GRCh37 (hg19) VCF-style: chr2-166915083-T-A.
Other names: c.380A>T, p.His127Leu (NM_001165964.3, NM_001202435.3, NM_001353948.2 and 10 more transcripts); c.-2046A>T (NM_001353961.2); short protein forms H127L.
Identifiers: ClinVar variation 190002 (VCV000190002.3), dbSNP rs794726831, ClinGen allele CA303521.